The following is an entry in ClinVar:

ClinVar aggregate classification (germline): Likely benign. Review status: criteria provided, single submitter (1 of 4 stars). 2 submissions from 1 submitter: Likely benign (2). Last evaluated 2017-04-27.

Conditions:
Waardenburg syndrome. Also called: Waardenburg's syndrome. Identifiers: Orphanet 3440, MedGen C3266898, MONDO:0018094.
PCWH syndrome. Also called: WAARDENBURG-SHAH SYNDROME, NEUROLOGIC VARIANT. Identifiers: Orphanet 163746, MedGen C1836727, MONDO:0012198, OMIM 609136.

Allele frequency attached by ClinVar (database versions not stated): gnomAD exomes 0.00383; gnomAD 0.03533 and 0.03757; 1000 Genomes Project 0.04073; 1000 Genomes Project 30x 0.04466; TOPMed 0.03951.
gnomAD v4.1: 5,612 of 232,116 alleles (2.4%); highest among the groups gnomAD compares: African/African-American, 12%; 322 homozygotes.

Submissions (2):

Illumina Laboratory Services, Illumina
Classification: Likely benign for PCWH syndrome. Last evaluated: 2017-04-27. Review status: criteria provided, single submitter. Criteria: ICSL Variant Classification Criteria 13 December 2019. Collection method: clinical testing. Allele origin: germline.
Comment: This variant was observed as part of a predisposition screen in an ostensibly healthy population. A literature search was performed for the gene, cDNA change, and amino acid change (where applicable). No publications were found based on this search. Allele frequency data from public databases allowed determination this variant is unlikely to cause disease. Therefore, this variant is classified as likely benign.

Illumina Laboratory Services, Illumina
Classification: Likely benign for Waardenburg syndrome. Last evaluated: 2017-04-27. Review status: criteria provided, single submitter. Criteria: ICSL Variant Classification Criteria 13 December 2019. Collection method: clinical testing. Allele origin: germline.
Comment: the same text as in the submission from Illumina Laboratory Services, Illumina above.

NM_006941.4(SOX10):c.*932G>A

Genes: POLR2F (RNA polymerase II, I and III subunit F; plus strand), SOX10 (SRY-box transcription factor 10; minus strand). Cytogenetic location: 22q13.1.
Variant type: single nucleotide variant.
Coding change: c.*932G>A on transcript NM_006941.4 (MANE Select); 932 bases downstream of the stop codon, G replaced by A.
Molecular consequence: 3 prime UTR variant. On other transcripts: intron variant (3).
Genome position (GRCh38, 1-based): chr22:37,972,563, C>T on the plus strand (G>A on the coding strand, the complement: SOX10 is on the minus strand). VCF-style: chr22-37972563-C-T. GRCh37 (hg19) VCF-style: chr22-38368570-C-T.
Other names: c.*38+253C>T (NM_001363825.1); c.293+5393C>T (NM_001301130.2, NM_001301131.2).
Identifiers: ClinVar variation 341609 (VCV000341609.7), dbSNP rs8141371, ClinGen allele CA10651297.